The following is an entry in ClinVar:

ClinVar aggregate classification (germline): Uncertain significance. Review status: criteria provided, multiple submitters, no conflicts (2 of 4 stars). 2 submissions from 2 submitters: Uncertain significance (2). Last evaluated 2025-09-29.

Conditions:
SMAD2-related disorder. Also called: SMAD2-related condition; SMAD2-related disorders.

gnomAD v4.1: 2 of 1,613,538 alleles (0.00012%); highest among the groups gnomAD compares: Non-Finnish European, 0.00017%; no homozygotes.

Submissions (2):

Labcorp Genetics (formerly Invitae), Labcorp
Classification: Uncertain significance. Last evaluated: 2025-09-29. Review status: criteria provided, single submitter. Criteria: Invitae Variant Classification Sherloc (09022015). Collection method: clinical testing. Allele origin: germline.
Comment: This sequence change replaces leucine, which is neutral and non-polar, with isoleucine, which is neutral and non-polar, at codon 143 of the SMAD2 protein (p.Leu143Ile). This variant is not present in population databases (gnomAD no frequency). This variant has not been reported in the literature in individuals affected with SMAD2-related conditions. Invitae Evidence Modeling of protein sequence and biophysical properties (such as structural, functional, and spatial information, amino acid conservation, physicochemical variation, residue mobility, and thermodynamic stability) indicates that this missense variant is not expected to disrupt SMAD2 protein function with a negative predictive value of 80%. In summary, the available evidence is currently insufficient to determine the role of this variant in disease. Therefore, it has been classified as a Variant of Uncertain Significance.

PreventionGenetics, part of Exact Sciences
Classification: Uncertain significance for SMAD2-related condition. Last evaluated: 2025-07-29. Review status: criteria provided, single submitter. Criteria: ACMG Guidelines, 2015. Collection method: clinical testing. Allele origin: germline.
Comment: The SMAD2 c.427C>A variant is predicted to result in the amino acid substitution p.Leu143Ile. To our knowledge, this variant has not been reported in the literature or in a large population database (gnomAD), indicating this variant is rare. At this time, the clinical significance of this variant is uncertain due to the absence of conclusive functional and genetic evidence.

NM_005901.6(SMAD2):c.427C>A (p.Leu143Ile)

Gene: SMAD2 (SMAD family member 2; minus strand). Cytogenetic location: 18q21.1.
Variant type: single nucleotide variant.
Coding change: c.427C>A on transcript NM_005901.6 (MANE Select); coding-DNA position 427, C replaced by A.
Protein change: p.Leu143Ile; replaces leucine 143 with isoleucine.
Molecular consequence: missense variant.
Genome position (GRCh38, 1-based): chr18:47,869,336, G>T on the plus strand (C>A on the coding strand, the complement: SMAD2 is on the minus strand). VCF-style: chr18-47869336-G-T. GRCh37 (hg19) VCF-style: chr18-45395707-G-T.
Other names: c.427C>A, p.Leu143Ile (NM_001003652.4); c.337C>A, p.Leu113Ile (NM_001135937.3); c.427C>A (NM_005901.5); short protein forms L113I, L143I.
Identifiers: ClinVar variation 4797663 (VCV004797663.2).